The following is an entry in ClinVar:

NM_032043.3(BRIP1):c.1048T>G (p.Cys350Gly)

Gene: BRIP1 (BRCA1 interacting DNA helicase 1; minus strand). Cytogenetic location: 17q23.2.
Variant type: single nucleotide variant.
Coding change: c.1048T>G on transcript NM_032043.3 (MANE Select); coding-DNA position 1048, T replaced by G.
Protein change: p.Cys350Gly; replaces cysteine 350 with glycine.
Molecular consequence: missense variant.
Genome position (GRCh38, 1-based): chr17:61,801,345, A>C on the plus strand (T>G on the coding strand, the complement: BRIP1 is on the minus strand). VCF-style: chr17-61801345-A-C. GRCh37 (hg19) VCF-style: chr17-59878706-A-C.
Other names: short protein forms C350G.
Identifiers: ClinVar variation 850680 (VCV000850680.9), dbSNP rs876658173, ClinGen allele CA400484042.
Genomic context (GRCh38, chr17:61,801,345, plus strand): 5'-TGTAGGGACAAAATATGATGTCAGCATCTTGTATTAGTTCTCGGGCTGTGTAATATGGAC[A>C]GGCCTTTAGTTTCTTCCCCAGGCTGACAAGTTCTTCTATATCCCAGGCTTTGCACATCCC-3'
Protein context (NP_114432.2, residues 340-360): LVSLGKKLKA[Cys350Gly]PYYTARELIQ

ClinVar aggregate classification (germline): Uncertain significance. Review status: criteria provided, multiple submitters, no conflicts (2 of 4 stars). 3 submissions from 3 submitters: Uncertain significance (3). Last evaluated 2024-10-11.

Conditions:
Familial cancer of breast. Also called: hereditary breast carcinoma; BREAST CANCER, FAMILIAL; Hereditary breast cancer. Identifiers: Orphanet 227535, MedGen C0346153, MONDO:0016419, OMIM 114480. Disease mechanism: loss of function.
Fanconi anemia complementation group J. Also called: BRIP1-Related Fanconi Anemia. Identifiers: Orphanet 84, MedGen C1836860, MONDO:0012187, OMIM 609054.
Hereditary cancer-predisposing syndrome. Also called: Neoplastic Syndromes, Hereditary; Hereditary Cancer Syndrome; Hereditary neoplastic syndrome; Tumor predisposition. Identifiers: Orphanet 140162, MedGen C0027672, MeSH D009386, MONDO:0015356.

Submissions (3):

Ambry Genetics
Classification: Uncertain significance for Hereditary cancer-predisposing syndrome. Last evaluated: 2024-10-11. Review status: criteria provided, single submitter. Criteria: Ambry Variant Classification Scheme 2023. Collection method: clinical testing. Allele origin: germline.
Comment: The p.C350G variant (also known as c.1048T>G), located in coding exon 7 of the BRIP1 gene, results from a T to G substitution at nucleotide position 1048. The cysteine at codon 350 is replaced by glycine, an amino acid with highly dissimilar properties. This amino acid position is conserved. In addition, this alteration is predicted to be deleterious by in silico analysis. Based on the available evidence, the clinical significance of this variant remains unclear.

Labcorp Genetics (formerly Invitae), Labcorp
Classification: Uncertain significance for Familial cancer of breast; Fanconi anemia complementation group J. Last evaluated: 2024-02-12. Review status: criteria provided, single submitter. Criteria: Invitae Variant Classification Sherloc (09022015). Collection method: clinical testing. Allele origin: germline.
Comment: This sequence change replaces cysteine, which is neutral and slightly polar, with glycine, which is neutral and non-polar, at codon 350 of the BRIP1 protein (p.Cys350Gly). This variant is not present in population databases (gnomAD no frequency). This variant has not been reported in the literature in individuals affected with BRIP1-related conditions. ClinVar contains an entry for this variant (Variation ID: 850680). Advanced modeling of protein sequence and biophysical properties (such as structural, functional, and spatial information, amino acid conservation, physicochemical variation, residue mobility, and thermodynamic stability) performed at Invitae indicates that this missense variant is expected to disrupt BRIP1 protein function with a positive predictive value of 80%. In summary, the available evidence is currently insufficient to determine the role of this variant in disease. Therefore, it has been classified as a Variant of Uncertain Significance.

Color Diagnostics, LLC DBA Color Health
Classification: Uncertain significance for Hereditary cancer-predisposing syndrome. Last evaluated: 2023-12-05. Review status: criteria provided, single submitter. Criteria: ACMG Guidelines, 2015. Collection method: clinical testing. Allele origin: germline.
Comment: This missense variant replaces cysteine with glycine at codon 350 of the BRIP1 protein. Computational prediction suggests that this variant may have deleterious impact on protein structure and function (internally defined REVEL score threshold >= 0.7, PMID: 27666373). To our knowledge, functional studies have not been reported for this variant. This variant has not been reported in individuals affected with BRIP1-related disorders in the literature. This variant has not been identified in the general population by the Genome Aggregation Database (gnomAD). The available evidence is insufficient to determine the role of this variant in disease conclusively. Therefore, this variant is classified as a Variant of Uncertain Significance.